The following is an entry in ClinVar:

ClinVar aggregate classification (germline): Uncertain significance. Review status: criteria provided, multiple submitters, no conflicts (2 of 4 stars). 2 submissions from 2 submitters: Uncertain significance (2). Last evaluated 2024-03-23.

Allele frequency attached by ClinVar (database versions not stated): gnomAD 0.00003; TOPMed 0.00003; gnomAD exomes 0.00004; ExAC 0.00006.
gnomAD v4.1: 26 of 1,612,572 alleles (0.0016%); highest among the groups gnomAD compares: Admixed American, 0.043%; no homozygotes.

Submissions (2):

GeneDx
Classification: Uncertain significance. Last evaluated: 2024-03-23. Review status: criteria provided, single submitter. Criteria: GeneDx Variant Classification Process June 2021. Collection method: clinical testing. Allele origin: germline. Affected: yes.
Comment: In silico analysis supports that this missense variant does not alter protein structure/function; Has not been previously published as pathogenic or benign to our knowledge

Ambry Genetics
Classification: Uncertain significance. Last evaluated: 2021-07-14. Review status: criteria provided, single submitter. Criteria: Ambry Variant Classification Scheme 2023. Collection method: clinical testing. Allele origin: germline.

NM_001378328.1(CELSR1):c.8630G>T (p.Ser2877Ile)

Gene: CELSR1 (cadherin EGF LAG seven-pass G-type receptor 1; minus strand). Cytogenetic location: 22q13.31.
Variant type: single nucleotide variant.
Coding change: c.8630G>T on transcript NM_001378328.1 (MANE Select); coding-DNA position 8630, G replaced by T.
Protein change: p.Ser2877Ile; replaces serine 2877 with isoleucine.
Molecular consequence: missense variant.
Genome position (GRCh38, 1-based): chr22:46,364,661, C>A on the plus strand (G>T on the coding strand, the complement: CELSR1 is on the minus strand). VCF-style: chr22-46364661-C-A. GRCh37 (hg19) VCF-style: chr22-46760558-C-A.
Other names: c.8630G>T, p.Ser2877Ile (NM_014246.4); short protein forms S2877I.
Identifiers: ClinVar variation 2380290 (VCV002380290.3), dbSNP rs768324793, ClinGen allele CA10292710.